The following is an entry in ClinVar:

NM_006502.3(POLH):c.453C>T (p.Pro151=)

Gene: POLH (DNA polymerase eta; plus strand). Cytogenetic location: 6p21.1.
Variant type: single nucleotide variant.
Coding change: c.453C>T on transcript NM_006502.3 (MANE Select); coding-DNA position 453, C replaced by T.
Protein change: p.Pro151=; no amino-acid change (proline 151 retained).
Molecular consequence: synonymous variant. On other transcripts: intron variant (1).
Genome position (GRCh38, 1-based): chr6:43,587,452, C>T. VCF-style: chr6-43587452-C-T. GRCh37 (hg19) VCF-style: chr6-43555189-C-T.
Other names: c.453C>T, p.Pro151= (NM_001291970.2); c.118+4311C>T (NM_001291969.2).
Identifiers: ClinVar variation 5040718 (VCV005040718.1).
Genomic context (GRCh38, chr6:43,587,452, plus strand): 5'-GCTACAAGGTCAGCCTATCTCGGCAGACTTGTTGCCAAGCACTTACATTGAAGGGTTGCC[C>T]CAAGGCCCTACAACGGCAGAAGAGACTGTTCAGAAAGGTACTTCCATAGCATCATACTGC-3'
Protein context (NP_006493.1, residues 141-161): LLPSTYIEGL[Pro151=]QGPTTAEETV

ClinVar aggregate classification (germline): Likely benign (1 of 4 stars; one submission).

gnomAD v4.1: 7 of 1,614,094 alleles (0.00043%); highest among the groups gnomAD compares: South Asian, 0.0066%; no homozygotes.

Submission:

CeGaT Center for Human Genetics Tuebingen
Classification: Likely benign. Last evaluated: 2026-08-01. Review status: criteria provided, single submitter. Criteria: CeGaT Center For Human Genetics Tuebingen Variant Classification Criteria Version 2. Collection method: clinical testing. Allele origin: germline. Affected: yes. Observed: 1 variant allele.
Comment: POLH: BP4, BP7